The following is an entry in ClinVar:

NM_016026.4(RDH11):c.721C>T (p.Arg241Trp)

Genes: GPHN (gephyrin; plus strand), RDH11 (retinol dehydrogenase 11; minus strand). Cytogenetic location: 14q24.1.
Variant type: single nucleotide variant.
Coding change: c.721C>T on transcript NM_016026.4 (MANE Select); coding-DNA position 721, C replaced by T.
Protein change: p.Arg241Trp; replaces arginine 241 with tryptophan.
Molecular consequence: missense variant.
Genome position (GRCh38, 1-based): chr14:67,685,148, G>A on the plus strand (C>T on the coding strand, the complement: RDH11 is on the minus strand). VCF-style: chr14-67685148-G-A. GRCh37 (hg19) VCF-style: chr14-68151865-G-A.
Other names: c.511C>T, p.Arg171Trp (NM_001252650.2); c.721C>T (NM_016026.3); short protein forms R171W, R241W.
Identifiers: ClinVar variation 1058723 (VCV001058723.7), dbSNP rs377114343, ClinGen allele CA7238305.

ClinVar aggregate classification (germline): Uncertain significance. Review status: criteria provided, multiple submitters, no conflicts (2 of 4 stars). 2 submissions from 2 submitters: Uncertain significance (2). Last evaluated 2024-03-19.

Allele frequency attached by ClinVar (database versions not stated): gnomAD exomes 0.00001 and 0.00003; ExAC 0.00005; ESP Exome Variant Server 0.00008; gnomAD 0.00011 and 0.00012; TOPMed 0.00012.
gnomAD v4.1: 34 of 1,614,038 alleles (0.0021%); highest among the groups gnomAD compares: African/African-American, 0.039%; no homozygotes.

Submissions (2):

Ambry Genetics
Classification: Uncertain significance. Last evaluated: 2024-03-19. Review status: criteria provided, single submitter. Criteria: Ambry Variant Classification Scheme 2023. Collection method: clinical testing. Allele origin: germline.

Labcorp Genetics (formerly Invitae), Labcorp
Classification: Uncertain significance. Last evaluated: 2022-02-28. Review status: criteria provided, single submitter. Criteria: Invitae Variant Classification Sherloc (09022015). Collection method: clinical testing. Allele origin: germline.
Comment: This sequence change replaces arginine, which is basic and polar, with tryptophan, which is neutral and slightly polar, at codon 241 of the RDH11 protein (p.Arg241Trp). This variant is present in population databases (rs377114343, gnomAD 0.03%). This variant has not been reported in the literature in individuals affected with RDH11-related conditions. ClinVar contains an entry for this variant (Variation ID: 1058723). Algorithms developed to predict the effect of missense changes on protein structure and function are either unavailable or do not agree on the potential impact of this missense change (SIFT: "Deleterious"; PolyPhen-2: "Probably Damaging"; Align-GVGD: "Class C15"). Algorithms developed to predict the effect of sequence changes on RNA splicing suggest that this variant may disrupt the consensus splice site. In summary, the available evidence is currently insufficient to determine the role of this variant in disease. Therefore, it has been classified as a Variant of Uncertain Significance.